The following is an entry in ClinVar:

ClinVar aggregate classification (germline): Benign/Likely benign. Review status: criteria provided, multiple submitters, no conflicts (2 of 4 stars). 11 submissions from 11 submitters: Benign (4); Likely benign (6). 1 of the submissions does not count toward it. Last evaluated 2026-01-28.

Conditions:
Breast-ovarian cancer, familial, susceptibility to, 5 (BROVCA5). Identifiers: MedGen C5830615, MONDO:0957530, OMIM 620442.
Fanconi anemia complementation group N. Also called: PALB2-Related Fanconi Anemia. Identifiers: Orphanet 84, MedGen C1835817, MONDO:0012565, OMIM 610832. Disease mechanism: loss of function.
Pancreatic cancer, susceptibility to, 3. Identifiers: Orphanet 1333, MedGen C3150547, MONDO:0013236, OMIM 613348.
Familial cancer of breast. Also called: BREAST CANCER, FAMILIAL; hereditary breast carcinoma; Hereditary breast cancer. Identifiers: Orphanet 227535, MedGen C0346153, MONDO:0016419, OMIM 114480. Disease mechanism: loss of function.
Hereditary cancer-predisposing syndrome. Also called: Hereditary Cancer Syndrome; Neoplastic Syndromes, Hereditary; Tumor predisposition; Hereditary neoplastic syndrome. Identifiers: Orphanet 140162, MedGen C0027672, MeSH D009386, MONDO:0015356.

Allele frequency attached by ClinVar (database versions not stated): TOPMed 0.00002; 1000 Genomes Project 0.00020; gnomAD 0.00001 and 0.00002; gnomAD exomes 0.00008; ExAC 0.00010; 1000 Genomes Project 30x 0.00016.
gnomAD v4.1: 189 of 1,613,754 alleles (0.012%); highest among the groups gnomAD compares: East Asian, 0.41%; 1 homozygote.

Submissions (11):

Labcorp Genetics (formerly Invitae), Labcorp
Classification: Benign for Familial cancer of breast. Last evaluated: 2026-01-28. Review status: criteria provided, single submitter. Criteria: Invitae Variant Classification Sherloc (09022015). Collection method: clinical testing. Allele origin: germline.

Myriad Genetics, Inc.
Classification: Benign for Familial cancer of breast. Last evaluated: 2025-01-21. Review status: criteria provided, single submitter. Criteria: Myriad Autosomal Dominant, Autosomal Recessive and X-Linked Classification Criteria (2023). Collection method: clinical testing. Allele origin: unknown.
Comment: This variant is considered benign. This variant is a silent/synonymous amino acid change and it is not expected to impact splicing.

Dasa
Classification: Benign for Breast-ovarian cancer, familial, susceptibility to, 5. Last evaluated: 2024-11-26. Review status: criteria provided, single submitter. Criteria: DASA Assertion Criteria. Collection method: clinical testing. Allele origin: germline.
Comment: NM_024675.4(PALB2):c.2881C>T (p.Leu961=) is interpreted as benign based on a combination of available evidence, including population frequency, and the mechanism of disease or impacted region being inconsistent with a known cause of pathogenicity. Based on the available data, this variant is classified as benign.

Department of Pathology and Laboratory Medicine, Sinai Health System
Classification: Likely benign for Fanconi anemia complementation group N; Pancreatic cancer, susceptibility to, 3; Breast-ovarian cancer, familial, susceptibility to, 5. Last evaluated: 2024-07-30. Review status: criteria provided, single submitter. Criteria: ACMG Guidelines, 2015. Collection method: clinical testing. Allele origin: germline. Affected: no.

Fulgent Genetics
Classification: Likely benign for Familial cancer of breast; Fanconi anemia complementation group N; Pancreatic cancer, susceptibility to, 3. Last evaluated: 2021-08-04. Review status: criteria provided, single submitter. Criteria: ACMG Guidelines, 2015. Collection method: clinical testing. Allele origin: unknown.

Illumina Laboratory Services, Illumina
Classification: Likely benign for Fanconi anemia complementation group N. Last evaluated: 2017-04-27. Review status: criteria provided, single submitter. Criteria: ICSL Variant Classification Criteria 13 December 2019. Collection method: clinical testing. Allele origin: germline.
Comment: This variant was observed as part of a predisposition screen in an ostensibly healthy population. A literature search was performed for the gene, cDNA change, and amino acid change (where applicable). No publications were found based on this search. Allele frequency data from public databases allowed determination this variant is unlikely to cause disease. Therefore, this variant is classified as likely benign.

Women's Health and Genetics/Laboratory Corporation of America, LabCorp
Classification: Likely benign. Last evaluated: 2016-03-21. Review status: criteria provided, single submitter. Criteria: LabCorp Variant Classification Summary - May 2015. Collection method: clinical testing. Allele origin: germline.

Color Diagnostics, LLC DBA Color Health
Classification: Likely benign for Hereditary cancer-predisposing syndrome. Last evaluated: 2015-07-27. Review status: criteria provided, single submitter. Criteria: ACMG Guidelines, 2015. Collection method: clinical testing. Allele origin: germline.

GeneDx
Classification: Benign. Last evaluated: 2015-07-20. Review status: criteria provided, single submitter. Criteria: GeneDx Variant Classification (06012015). Collection method: clinical testing. Allele origin: germline. Affected: yes.
Comment: This variant is considered likely benign or benign based on one or more of the following criteria: it is a conservative change, it occurs at a poorly conserved position in the protein, it is predicted to be benign by multiple in silico algorithms, and/or has population frequency not consistent with disease.

Ambry Genetics
Classification: Likely benign for Hereditary cancer-predisposing syndrome. Last evaluated: 2014-10-13. Review status: criteria provided, single submitter. Criteria: Ambry Variant Classification Scheme 2023. Collection method: clinical testing. Allele origin: germline.

Leiden Open Variation Database
Classification: Benign. Last evaluated: 2018-10-10. Review status: no assertion criteria provided. Collection method: curation. Allele origin: germline. Affected: yes. Not counted in ClinVar's aggregate classification.
Comment: Curators: Marc Tischkowitz, Arleen D. Auerbach. Submitter to LOVD: Yukihide Momozawa.

Literature cited by the submitters: PubMed 30287823 (cited by Leiden Open Variation Database).

NM_024675.4(PALB2):c.2881C>T (p.Leu961=)

Gene: PALB2 (partner and localizer of BRCA2; minus strand). Cytogenetic location: 16p12.2.
Variant type: single nucleotide variant.
Coding change: c.2881C>T on transcript NM_024675.4 (MANE Select); coding-DNA position 2881, C replaced by T.
Protein change: p.Leu961=; no amino-acid change (leucine 961 retained).
Molecular consequence: synonymous variant.
Genome position (GRCh38, 1-based): chr16:23,623,084, G>A on the plus strand (C>T on the coding strand, the complement: PALB2 is on the minus strand). VCF-style: chr16-23623084-G-A. GRCh37 (hg19) VCF-style: chr16-23634405-G-A.
Identifiers: ClinVar variation 186696 (VCV000186696.28), dbSNP rs61755166, ClinGen allele CA195588.
Genomic context (GRCh38, chr16:23,623,084, plus strand): 5'-TGCTACTAACTAGCCTCCTCTTTGTCAGGCCAAGCACAGCTTTTATATTTCCAGACTTCA[G>A]TAGTACTTGCTTTTCACTTTCATCATCAGAGGAACAAAACAATGCCCTAAGCCAAATATA-3'
Protein context (NP_078951.2, residues 951-971): SDDESEKQVL[Leu961=]KSGNIKAVLG